The following is an entry in ClinVar:

ClinVar aggregate classification (germline): Likely pathogenic (1 of 4 stars; one submission).

Allele frequency attached by ClinVar (database versions not stated): ExAC 0.00001; TOPMed 0.00001.
gnomAD v4.1: 1 of 1,614,096 alleles (0.000062%); highest among the groups gnomAD compares: South Asian, 0.0011%; no homozygotes.

Submission:

Labcorp Genetics (formerly Invitae), Labcorp
Classification: Likely pathogenic. Last evaluated: 2023-02-14. Review status: criteria provided, single submitter. Criteria: Invitae Variant Classification Sherloc (09022015). Collection method: clinical testing. Allele origin: germline.
Comment: This sequence change affects a donor splice site in intron 7 of the COX15 gene. It is expected to disrupt RNA splicing. Variants that disrupt the donor or acceptor splice site typically lead to a loss of protein function (PMID: 16199547), and loss-of-function variants in COX15 are known to be pathogenic (PMID: 15863660, 21412973). This variant is present in population databases (rs746383265, gnomAD 0.003%). This variant has not been reported in the literature in individuals affected with COX15-related conditions. Algorithms developed to predict the effect of sequence changes on RNA splicing suggest that this variant may disrupt the consensus splice site. In summary, the currently available evidence indicates that the variant is pathogenic, but additional data are needed to prove that conclusively. Therefore, this variant has been classified as Likely Pathogenic.

Literature cited by the submitters: PubMed 16199547; PubMed 15863660; PubMed 21412973.

NM_078470.6(COX15):c.987+1G>T

Gene: COX15 (cytochrome c oxidase assembly factor COX15; minus strand). Cytogenetic location: 10q24.2.
Variant type: single nucleotide variant.
Coding change: c.987+1G>T on transcript NM_078470.6 (MANE Select); the canonical splice donor site of the intron after coding-DNA position 987, G replaced by T.
Molecular consequence: splice donor variant. On other transcripts: intron variant (2).
Genome position (GRCh38, 1-based): chr10:99,718,345, C>A on the plus strand (G>T on the coding strand, the complement: COX15 is on the minus strand). VCF-style: chr10-99718345-C-A. GRCh37 (hg19) VCF-style: chr10-101478102-C-A.
Other names: c.987+1G>T (NM_001320974.2, NM_001372027.1, NM_004376.7 and 2 more transcripts); c.450+1G>T (NM_001320976.2); c.960+1G>T (NM_001372026.1); c.833-1884G>T (NM_001372028.1, NM_001320975.2).
Identifiers: ClinVar variation 2837000 (VCV002837000.3), dbSNP rs746383265, ClinGen allele CA5642125.